The following is an entry in ClinVar:

NM_000181.4(GUSB):c.349_350delinsCA (p.Thr117Gln)

Gene: GUSB (glucuronidase beta; minus strand). Cytogenetic location: 7q11.21.
Variant type: Indel.
Coding change: c.349_350delinsCA on transcript NM_000181.4 (MANE Select); coding-DNA positions 349 to 350, AC replaced by CA.
Protein change: p.Thr117Gln; replaces threonine 117 with glutamine.
Molecular consequence: missense variant. On other transcripts: 5 prime UTR variant (1), non-coding transcript variant (1).
Genome position (GRCh38, 1-based): chr7:65,980,270-65,980,271, GT replaced by TG on the plus strand (AC replaced by CA on the coding strand, the reverse complement: GUSB is on the minus strand). VCF-style: chr7-65980270-GT-TG. GRCh37 (hg19) VCF-style: chr7-65445257-GT-TG.
Other names: c.349_350delinsCA, p.Thr117Gln (NM_001284290.2); c.-37_-36delinsCA (NM_001293104.2); c.20_21delinsCA, p.His7Pro (NM_001293105.2); short protein forms H7P, T117Q.
Identifiers: ClinVar variation 4754355 (VCV004754355.1).

ClinVar aggregate classification (germline): Uncertain significance (1 of 4 stars; one submission).

Conditions:
Mucopolysaccharidosis type 7 (MPS7). Also called: MPS VII; BETA-GLUCURONIDASE DEFICIENCY; GUSB DEFICIENCY; SLY SYNDROME. Identifiers: Orphanet 584, MedGen C0085132, MONDO:0009662, OMIM 253220.

Submission:

Labcorp Genetics (formerly Invitae), Labcorp
Classification: Uncertain significance for Mucopolysaccharidosis type 7. Last evaluated: 2025-03-27. Review status: criteria provided, single submitter. Criteria: Invitae Variant Classification Sherloc (09022015). Collection method: clinical testing. Allele origin: germline.
Comment: This sequence change replaces threonine, which is neutral and polar, with glutamine, which is neutral and polar, at codon 117 of the GUSB protein (p.Thr117Gln). Information on the frequency of this variant in the gnomAD database is not available, as this variant may be reported differently in the database. This variant has not been reported in the literature in individuals affected with GUSB-related conditions. An algorithm developed to predict the effect of missense changes on protein structure and function (PolyPhen-2) suggests that this variant is likely to be tolerated. In summary, the available evidence is currently insufficient to determine the role of this variant in disease. Therefore, it has been classified as a Variant of Uncertain Significance.